The following is an entry in ClinVar:

ClinVar aggregate classification (germline): Uncertain significance (1 of 4 stars; one submission).

Conditions:
Inborn genetic diseases. Identifiers: MedGen C0950123, MeSH D030342.

Allele frequency attached by ClinVar (database versions not stated): ExAC 0.00001.
gnomAD v4.1: 1 of 1,613,876 alleles (0.000062%); highest among the groups gnomAD compares: South Asian, 0.0011%; no homozygotes.

Submission:

Ambry Genetics
Classification: Uncertain significance for Inborn genetic diseases. Last evaluated: 2021-12-11. Review status: criteria provided, single submitter. Criteria: Ambry Variant Classification Scheme 2023. Collection method: clinical testing. Allele origin: germline.
Comment: The p.N241T variant (also known as c.722A>C), located in coding exon 9 of the ERCC2 gene, results from an A to C substitution at nucleotide position 722. The asparagine at codon 241 is replaced by threonine, an amino acid with similar properties. This amino acid position is conserved. In addition, the in silico prediction for this alteration is inconclusive. Since supporting evidence is limited at this time, the clinical significance of this alteration remains unclear.

NM_000400.4(ERCC2):c.722A>C (p.Asn241Thr)

Gene: ERCC2 (ERCC excision repair 2, TFIIH core complex helicase subunit; minus strand). Cytogenetic location: 19q13.32.
Variant type: single nucleotide variant.
Coding change: c.722A>C on transcript NM_000400.4 (MANE Select); coding-DNA position 722, A replaced by C.
Protein change: p.Asn241Thr; replaces asparagine 241 with threonine.
Molecular consequence: missense variant.
Genome position (GRCh38, 1-based): chr19:45,364,328, T>G on the plus strand (A>C on the coding strand, the complement: ERCC2 is on the minus strand). VCF-style: chr19-45364328-T-G. GRCh37 (hg19) VCF-style: chr19-45867586-T-G.
Other names: c.650A>C, p.Asn217Thr (NM_001130867.2); short protein forms N241T, N217T.
Identifiers: ClinVar variation 1757794 (VCV001757794.2), dbSNP rs772590907, ClinGen allele CA9513653.